The following is an entry in ClinVar:

ClinVar aggregate classification (germline): Uncertain significance (1 of 4 stars; one submission).

Submission:

Labcorp Genetics (formerly Invitae), Labcorp
Classification: Uncertain significance. Last evaluated: 2023-08-10. Review status: criteria provided, single submitter. Criteria: Invitae Variant Classification Sherloc (09022015). Collection method: clinical testing. Allele origin: germline.
Comment: In summary, the available evidence is currently insufficient to determine the role of this variant in disease. Therefore, it has been classified as a Variant of Uncertain Significance. This sequence change replaces methionine, which is neutral and non-polar, with valine, which is neutral and non-polar, at codon 1036 of the COL18A1 protein (p.Met1036Val). This variant is present in population databases (rs577041399, gnomAD 0.002%). This variant has not been reported in the literature in individuals affected with COL18A1-related conditions. ClinVar contains an entry for this variant (Variation ID: 1055634). Experimental studies and prediction algorithms are not available or were not evaluated, and the functional significance of this variant is currently unknown.

NM_001379500.1(COL18A1):c.3115A>G (p.Met1039Val)

Genes: SLC19A1 (solute carrier family 19 member 1; minus strand), COL18A1 (collagen type XVIII alpha 1 chain; plus strand). Cytogenetic location: 21q22.3.
Variant type: single nucleotide variant.
Coding change: c.3115A>G on transcript NM_001379500.1 (MANE Select); coding-DNA position 3115, A replaced by G.
Protein change: p.Met1039Val; replaces methionine 1039 with valine.
Molecular consequence: missense variant.
Genome position (GRCh38, 1-based): chr21:45,505,865, A>G. VCF-style: chr21-45505865-A-G. GRCh37 (hg19) VCF-style: chr21-46925779-A-G.
Other names: c.3646A>G, p.Met1216Val (NM_030582.4); c.4351A>G, p.Met1451Val (NM_130444.3); short protein forms M1039V, M1216V, M1451V.
Identifiers: ClinVar variation 1055634 (VCV001055634.5), dbSNP rs577041399, ClinGen allele CA10067717.